The following is an entry in ClinVar:

NM_006790.3(MYOT):c.508A>C (p.Thr170Pro)

Genes: MYOT (myotilin; plus strand), PKD2L2-DT (PKD2L2 divergent transcript; minus strand). Cytogenetic location: 5q31.2.
Variant type: single nucleotide variant.
Coding change: c.508A>C on transcript NM_006790.3 (MANE Select); coding-DNA position 508, A replaced by C.
Protein change: p.Thr170Pro; replaces threonine 170 with proline.
Molecular consequence: missense variant. On other transcripts: 5 prime UTR variant (1).
Genome position (GRCh38, 1-based): chr5:137,875,980, A>C. VCF-style: chr5-137875980-A-C. GRCh37 (hg19) VCF-style: chr5-137211669-A-C.
Other names: c.-45A>C (NM_001135940.2); c.163A>C, p.Thr55Pro (NM_001300911.2); short protein forms T170P, T55P.
Identifiers: ClinVar variation 2433982 (VCV002433982.5), dbSNP rs2531999652, ClinGen allele CA361054478.

ClinVar aggregate classification (germline): Uncertain significance. Review status: criteria provided, multiple submitters, no conflicts (2 of 4 stars). 2 submissions from 2 submitters: Uncertain significance (2). Last evaluated 2025-04-28.

Conditions:
Myofibrillar myopathy 3 (MFM3). Also called: Muscular dystrophy, proximal, type 1A; Autosomal dominant spheroid body myopathy. Identifiers: Orphanet 266, Orphanet 268129, MedGen C3714934, MONDO:0012215, OMIM 609200.

Submissions (2):

Labcorp Genetics (formerly Invitae), Labcorp
Classification: Uncertain significance for Myofibrillar myopathy 3. Last evaluated: 2025-04-28. Review status: criteria provided, single submitter. Criteria: Invitae Variant Classification Sherloc (09022015). Collection method: clinical testing. Allele origin: germline.
Comment: This sequence change replaces threonine, which is neutral and polar, with proline, which is neutral and non-polar, at codon 170 of the MYOT protein (p.Thr170Pro). This variant is not present in population databases (gnomAD no frequency). This variant has not been reported in the literature in individuals affected with MYOT-related conditions. ClinVar contains an entry for this variant (Variation ID: 2433982). Invitae Evidence Modeling of protein sequence and biophysical properties (such as structural, functional, and spatial information, amino acid conservation, physicochemical variation, residue mobility, and thermodynamic stability) indicates that this missense variant is not expected to disrupt MYOT protein function with a negative predictive value of 80%. In summary, the available evidence is currently insufficient to determine the role of this variant in disease. Therefore, it has been classified as a Variant of Uncertain Significance.

Revvity Omics, Revvity
Classification: Uncertain significance for Myofibrillar myopathy 3. Last evaluated: 2020-09-03. Review status: criteria provided, single submitter. Criteria: ACMG Guidelines, 2015. Collection method: clinical testing. Allele origin: germline.